The following is an entry in ClinVar:

NM_006509.4(RELB):c.1252G>A (p.Val418Ile)

Gene: RELB (RELB proto-oncogene, NF-kB subunit; plus strand). Cytogenetic location: 19q13.32.
Variant type: single nucleotide variant.
Coding change: c.1252G>A on transcript NM_006509.4 (MANE Select); coding-DNA position 1252, G replaced by A.
Protein change: p.Val418Ile; replaces valine 418 with isoleucine.
Molecular consequence: missense variant.
Genome position (GRCh38, 1-based): chr19:45,034,288, G>A. VCF-style: chr19-45034288-G-A. GRCh37 (hg19) VCF-style: chr19-45537546-G-A.
Other names: c.1252G>A (NM_006509.3); short protein forms V418I.
Identifiers: ClinVar variation 1368792 (VCV001368792.8), dbSNP rs551709862, ClinGen allele CA9507799.
Genomic context (GRCh38, chr19:45,034,288, plus strand): 5'-GGTATCTCCTTAACAGACAGCTACGGCGTGGACAAGAAGCGGAAACGGGGGATGCCCGAC[G>A]TCCTTGGGGAGCTGAACAGCTCTGGTGTGTGCCCTCTGCCCCTTTCCACCCCCATCCCCA-3'
Protein context (NP_006500.2, residues 408-428): DKKRKRGMPD[Val418Ile]LGELNSSDPH

ClinVar aggregate classification (germline): Uncertain significance. Review status: criteria provided, multiple submitters, no conflicts (2 of 4 stars). 3 submissions from 3 submitters: Uncertain significance (3). Last evaluated 2025-10-03.

Conditions:
Immunodeficiency 53. Identifiers: Orphanet 688594, MedGen C4539811, MONDO:0054696, OMIM 617585.

Allele frequency attached by ClinVar (database versions not stated): gnomAD 0.00001 and 0.00002; ExAC 0.00004; 1000 Genomes Project 30x 0.00016; 1000 Genomes Project 0.00020.
gnomAD v4.1: 21 of 1,613,986 alleles (0.0013%); highest among the groups gnomAD compares: East Asian, 0.029%; no homozygotes.

Submissions (3):

Labcorp Genetics (formerly Invitae), Labcorp
Classification: Uncertain significance. Last evaluated: 2025-10-03. Review status: criteria provided, single submitter. Criteria: Invitae Variant Classification Sherloc (09022015). Collection method: clinical testing. Allele origin: germline.
Comment: This sequence change replaces valine, which is neutral and non-polar, with isoleucine, which is neutral and non-polar, at codon 418 of the RELB protein (p.Val418Ile). This variant is present in population databases (rs551709862, gnomAD 0.06%), and has an allele count higher than expected for a pathogenic variant. This variant has not been reported in the literature in individuals affected with RELB-related conditions. ClinVar contains an entry for this variant (Variation ID: 1368792). An algorithm developed to predict the effect of missense changes on protein structure and function (PolyPhen-2) suggests that this variant is likely to be tolerated. In summary, the available evidence is currently insufficient to determine the role of this variant in disease. Therefore, it has been classified as a Variant of Uncertain Significance.

Fulgent Genetics
Classification: Uncertain significance for Immunodeficiency 53. Last evaluated: 2024-06-04. Review status: criteria provided, single submitter. Criteria: ACMG Guidelines, 2015. Collection method: clinical testing. Allele origin: germline.

Ambry Genetics
Classification: Uncertain significance. Last evaluated: 2024-03-26. Review status: criteria provided, single submitter. Criteria: Ambry Variant Classification Scheme 2023. Collection method: clinical testing. Allele origin: germline.